The following is an entry in ClinVar:

NM_000059.4(BRCA2):c.1531T>A (p.Ser511Thr)

Gene: BRCA2 (BRCA2 DNA repair associated; plus strand). Cytogenetic location: 13q13.1.
Variant type: single nucleotide variant.
Coding change: c.1531T>A on transcript NM_000059.4 (MANE Select); coding-DNA position 1531, T replaced by A.
Protein change: p.Ser511Thr; replaces serine 511 with threonine.
Molecular consequence: missense variant. On other transcripts: non-coding transcript variant (1), intron variant (1).
Genome position (GRCh38, 1-based): chr13:32,333,009, T>A. VCF-style: chr13-32333009-T-A. GRCh37 (hg19) VCF-style: chr13-32907146-T-A.
Other names: c.1531T>A, p.Ser511Thr (NM_001406719.1, NM_001406720.1, NM_001406721.1); c.424+1979T>A (NM_001406722.1); short protein forms S511T.
Identifiers: ClinVar variation 2774883 (VCV002774883.2), dbSNP rs2137472388, ClinGen allele CA387764593.

ClinVar aggregate classification (germline): Uncertain significance (1 of 4 stars; one submission).

Conditions:
Hereditary cancer-predisposing syndrome. Also called: Neoplastic Syndromes, Hereditary; Tumor predisposition; Hereditary Cancer Syndrome; Hereditary neoplastic syndrome. Identifiers: Orphanet 140162, MedGen C0027672, MeSH D009386, MONDO:0015356.

Submission:

Color Diagnostics, LLC DBA Color Health
Classification: Uncertain significance for Hereditary cancer-predisposing syndrome. Last evaluated: 2024-01-03. Review status: criteria provided, single submitter. Criteria: ACMG Guidelines, 2015. Collection method: clinical testing. Allele origin: germline.
Comment: This missense variant replaces serine with threonine at codon 511 of the BRCA2 protein. Computational prediction suggests that this variant may not impact protein structure and function. To our knowledge, functional studies have not been reported for this variant. This variant has not been reported in individuals affected with BRCA2-related disorders in the literature. This variant has not been identified in the general population by the Genome Aggregation Database (gnomAD). The available evidence is insufficient to determine the role of this variant in disease conclusively. Therefore, this variant is classified as a Variant of Uncertain Significance.